The following is an entry in ClinVar:

NM_000064.4(C3):c.3478G>A (p.Glu1160Lys)

Gene: C3 (complement C3; minus strand). Cytogenetic location: 19p13.3.
Variant type: single nucleotide variant.
Coding change: c.3478G>A on transcript NM_000064.4 (MANE Select); coding-DNA position 3478, G replaced by A.
Protein change: p.Glu1160Lys; replaces glutamic acid 1160 with lysine.
Molecular consequence: missense variant.
Genome position (GRCh38, 1-based): chr19:6,690,640, C>T on the plus strand (G>A on the coding strand, the complement: C3 is on the minus strand). VCF-style: chr19-6690640-C-T. GRCh37 (hg19) VCF-style: chr19-6690651-C-T.
Other names: short protein forms E1160K.
Identifiers: ClinVar variation 1809673 (VCV001809673.4), dbSNP rs2512240033, ClinGen allele CA403623949.

ClinVar aggregate classification (germline): Uncertain significance. Review status: criteria provided, multiple submitters, no conflicts (2 of 4 stars). 3 submissions from 3 submitters: Uncertain significance (3). Last evaluated 2025-09-30.

Conditions:
Atypical hemolytic-uremic syndrome. Identifiers: Orphanet 2134, MedGen C2931788, MONDO:0016244.

Submissions (3):

Genomenon, Inc
Classification: Uncertain significance for Atypical hemolytic-uremic syndrome. Last evaluated: 2025-09-30. Review status: criteria provided, single submitter. Criteria: Genomenon Sequence Variant Interpretation Standards. Collection method: curation. Allele origin: germline. Affected: yes.
Comment: C3 p.Glu1160Lys (c.3478G>A) is a missense variant that changes the amino acid at residue 1160 from Glutamic acid to Lysine. This variant has been observed in at least one proband affected with atypical hemolytic-uremic syndrome (PMID:25608561;37685848;31522186;28593894;29511899). It is absent or not present at a significant frequency in gnomAD. In conclusion, we classify C3 p.Glu1160Lys (c.3478G>A) as a variant of unknown significance.

Labcorp Genetics (formerly Invitae), Labcorp
Classification: Uncertain significance. Last evaluated: 2025-05-26. Review status: criteria provided, single submitter. Criteria: Invitae Variant Classification Sherloc (09022015). Collection method: clinical testing. Allele origin: germline.
Comment: This sequence change replaces glutamic acid, which is acidic and polar, with lysine, which is basic and polar, at codon 1160 of the C3 protein (p.Glu1160Lys). This variant is not present in population databases (gnomAD no frequency). This missense change has been observed in individual(s) with clinical features of atypical hemolytic uremic syndrome (PMID: 25608561, 31522186, 36703223). ClinVar contains an entry for this variant (Variation ID: 1809673). Invitae Evidence Modeling of protein sequence and biophysical properties (such as structural, functional, and spatial information, amino acid conservation, physicochemical variation, residue mobility, and thermodynamic stability) indicates that this missense variant is not expected to disrupt C3 protein function with a negative predictive value of 80%. In summary, the available evidence is currently insufficient to determine the role of this variant in disease. Therefore, it has been classified as a Variant of Uncertain Significance.

Dubai Health Genomic Medicine Center, Dubai Health
Classification: Uncertain significance. Last evaluated: 2022-12-17. Review status: criteria provided, single submitter. Criteria: ACMG Guidelines, 2015. Collection method: clinical testing. Allele origin: germline. Affected: yes.

Literature cited by the submitters: PubMed 25608561 (cited by Genomenon, Inc and Labcorp Genetics (formerly Invitae), Labcorp); PubMed 37685848 (cited by Genomenon, Inc); PubMed 31522186 (cited by Genomenon, Inc and Labcorp Genetics (formerly Invitae), Labcorp); PubMed 28593894 (cited by Genomenon, Inc); PubMed 29511899 (cited by Genomenon, Inc); PubMed 36703223 (cited by Labcorp Genetics (formerly Invitae), Labcorp).